The following is an entry in ClinVar:

ClinVar aggregate classification (germline): Uncertain significance. Review status: criteria provided, multiple submitters, no conflicts (2 of 4 stars). 2 submissions from 2 submitters: Uncertain significance (2). Last evaluated 2024-09-04.

Conditions:
Inborn genetic diseases. Identifiers: MedGen C0950123, MeSH D030342.

Allele frequency attached by ClinVar (database versions not stated): gnomAD 0.00004.

Submissions (2):

Ambry Genetics
Classification: Uncertain significance for Inborn genetic diseases. Last evaluated: 2024-09-04. Review status: criteria provided, single submitter. Criteria: Ambry Variant Classification Scheme 2023. Collection method: clinical testing. Allele origin: germline.

Labcorp Genetics (formerly Invitae), Labcorp
Classification: Uncertain significance. Last evaluated: 2022-04-08. Review status: criteria provided, single submitter. Criteria: Invitae Variant Classification Sherloc (09022015). Collection method: clinical testing. Allele origin: germline.
Comment: This sequence change replaces alanine, which is neutral and non-polar, with serine, which is neutral and polar, at codon 325 of the GZF1 protein (p.Ala325Ser). This variant is present in population databases (rs768456597, gnomAD 0.06%). This variant has not been reported in the literature in individuals affected with GZF1-related conditions. Algorithms developed to predict the effect of missense changes on protein structure and function output the following: SIFT: "Not Available"; PolyPhen-2: "Benign"; Align-GVGD: "Not Available". The serine amino acid residue is found in multiple mammalian species, which suggests that this missense change does not adversely affect protein function. In summary, the available evidence is currently insufficient to determine the role of this variant in disease. Therefore, it has been classified as a Variant of Uncertain Significance.

NM_022482.5(GZF1):c.973G>T (p.Ala325Ser)

Gene: GZF1 (GDNF inducible zinc finger protein 1; plus strand). Cytogenetic location: 20p11.21.
Variant type: single nucleotide variant.
Coding change: c.973G>T on transcript NM_022482.5 (MANE Select); coding-DNA position 973, G replaced by T.
Protein change: p.Ala325Ser; replaces alanine 325 with serine.
Molecular consequence: missense variant.
Genome position (GRCh38, 1-based): chr20:23,365,356, G>T. VCF-style: chr20-23365356-G-T. GRCh37 (hg19) VCF-style: chr20-23345993-G-T.
Other names: c.973G>T, p.Ala325Ser (NM_001317012.2, NM_001317019.1); c.973G>T (NM_022482.3); short protein forms A325S.
Identifiers: ClinVar variation 1987330 (VCV001987330.2), dbSNP rs768456597, ClinGen allele CA9788621.